The following is an entry in ClinVar:

NM_001243925.2(MAPKAPK3):c.541G>T (p.Ala181Ser)

Gene: MAPKAPK3 (MAPK activated protein kinase 3; plus strand). Cytogenetic location: 3p21.2.
Variant type: single nucleotide variant.
Coding change: c.541G>T on transcript NM_001243925.2 (MANE Select); coding-DNA position 541, G replaced by T.
Protein change: p.Ala181Ser; replaces alanine 181 with serine.
Molecular consequence: missense variant.
Genome position (GRCh38, 1-based): chr3:50,644,445, G>T. VCF-style: chr3-50644445-G-T. GRCh37 (hg19) VCF-style: chr3-50681876-G-T.
Other names: c.541G>T (NM_004635.4); c.541G>T, p.Ala181Ser (NM_001243926.2, NM_004635.5); short protein forms A181S.
Identifiers: ClinVar variation 1433931 (VCV001433931.7), dbSNP rs372421280, ClinGen allele CA2420299.

ClinVar aggregate classification (germline): Uncertain significance. Review status: criteria provided, multiple submitters, no conflicts (2 of 4 stars). 2 submissions from 2 submitters: Uncertain significance (2). Last evaluated 2025-09-10.

Allele frequency attached by ClinVar (database versions not stated): ExAC 0.00001; gnomAD exomes 0.00001; ESP Exome Variant Server 0.00008.

Submissions (2):

Ambry Genetics
Classification: Uncertain significance. Last evaluated: 2025-09-10. Review status: criteria provided, single submitter. Criteria: Ambry Variant Classification Scheme 2023. Collection method: clinical testing. Allele origin: germline.

Labcorp Genetics (formerly Invitae), Labcorp
Classification: Uncertain significance. Last evaluated: 2025-04-28. Review status: criteria provided, single submitter. Criteria: Invitae Variant Classification Sherloc (09022015). Collection method: clinical testing. Allele origin: germline.
Comment: This sequence change replaces alanine, which is neutral and non-polar, with serine, which is neutral and polar, at codon 181 of the MAPKAPK3 protein (p.Ala181Ser). This variant is present in population databases (rs372421280, gnomAD 0.003%). This variant has not been reported in the literature in individuals affected with MAPKAPK3-related conditions. ClinVar contains an entry for this variant (Variation ID: 1433931). An algorithm developed to predict the effect of missense changes on protein structure and function outputs the following: PolyPhen-2: "Benign". The serine amino acid residue is found in multiple mammalian species, which suggests that this missense change does not adversely affect protein function. In summary, the available evidence is currently insufficient to determine the role of this variant in disease. Therefore, it has been classified as a Variant of Uncertain Significance.